The following is an entry in ClinVar:

NM_000540.3(RYR1):c.13085_13092del (p.Leu4362fs)

Gene: RYR1 (ryanodine receptor 1; plus strand). Cytogenetic location: 19q13.2.
Variant type: Deletion.
Coding change: c.13085_13092del on transcript NM_000540.3 (MANE Select); coding-DNA positions 13085 to 13092, 8 bases deleted (TGTTCGGC; older notation c.13085_13092delTGTTCGGC).
Protein change: p.Leu4362fs; shifts the reading frame from leucine 4362.
Molecular consequence: frameshift variant.
Genome position (GRCh38, 1-based): chr19:38,565,419-38,565,426, TGTTCGGC deleted; deleting any 8 consecutive bases within chr19:38,565,417-38,565,426 gives the same sequence; the c. name uses the placement nearest the transcript's 3' end. VCF-style (leftmost placement, unchanged base first): chr19-38565416-CGCTGTTCG-C. GRCh37 (hg19) VCF-style: chr19-39056056-CGCTGTTCG-C.
Other names: c.13070_13077del, p.Leu4357fs (NM_001042723.2); short protein forms L4357fs, L4362fs.
Identifiers: ClinVar variation 3649880 (VCV003649880.2).
Genomic context (GRCh38, chr19:38,565,416, plus strand): 5'-CGCGCGCTGGGGCCGCTGGCGCGGGGGCGGCGGCGGGCGCGCTGGGCCTGCTCTGGGGCT[CGCTGTTCG>C]GCGGCGGCCTGGTGGAGGGCGCCAAGAAGGTGACGGTGACCGAGCTCCTGGCAGGCATGC-3'

ClinVar aggregate classification (germline): Pathogenic (1 of 4 stars; one submission).

Conditions:
RYR1-related disorder. Also called: RYR1-related condition; RYR1-related disorders. Identifiers: MedGen CN239331.

Submission:

Labcorp Genetics (formerly Invitae), Labcorp
Classification: Pathogenic for RYR1-related disorder. Last evaluated: 2024-04-15. Review status: criteria provided, single submitter. Criteria: Invitae Variant Classification Sherloc (09022015). Collection method: clinical testing. Allele origin: germline.
Comment: This sequence change creates a premature translational stop signal (p.Leu4362Argfs*218) in the RYR1 gene. It is expected to result in an absent or disrupted protein product. Loss-of-function variants in RYR1 are known to be pathogenic (PMID: 23919265, 25960145, 28818389, 30611313). This variant is not present in population databases (gnomAD no frequency). This variant has not been reported in the literature in individuals affected with RYR1-related conditions. For these reasons, this variant has been classified as Pathogenic.

Literature cited by the submitters: PubMed 23919265; PubMed 25960145; PubMed 28818389; PubMed 30611313.